The following is an entry in ClinVar:

NM_000038.6(APC):c.2723C>T (p.Ser908Phe)

Gene: APC (APC regulator of Wnt signaling pathway; plus strand). Cytogenetic location: 5q22.2.
Variant type: single nucleotide variant.
Coding change: c.2723C>T on transcript NM_000038.6 (MANE Select); coding-DNA position 2723, C replaced by T.
Protein change: p.Ser908Phe; replaces serine 908 with phenylalanine.
Molecular consequence: missense variant. On other transcripts: non-coding transcript variant (2).
Genome position (GRCh38, 1-based): chr5:112,838,317, C>T. VCF-style: chr5-112838317-C-T. GRCh37 (hg19) VCF-style: chr5-112174014-C-T.
Other names: c.2723C>T, p.Ser908Phe (NM_001127510.3, NM_001354895.2, NM_001407450.1); c.2669C>T, p.Ser890Phe (NM_001127511.3); c.2777C>T, p.Ser926Phe (NM_001354896.2, NM_001407447.1, NM_001407448.1 and 1 more transcripts); c.2753C>T, p.Ser918Phe (NM_001354897.2); c.2648C>T, p.Ser883Phe (NM_001354898.2); c.2639C>T, p.Ser880Phe (NM_001354899.2); c.2600C>T, p.Ser867Phe (NM_001354900.2); c.2546C>T, p.Ser849Phe (NM_001354901.2, NM_001407453.1); and 11 more; short protein forms S625F, S748F, S782F, S817F, S880F, S898F, S918F, S867F.
Identifiers: ClinVar variation 3302143 (VCV003302143.1).

ClinVar aggregate classification (germline): Uncertain significance (1 of 4 stars; one submission).

Conditions:
Hereditary cancer-predisposing syndrome. Also called: Tumor predisposition; Hereditary Cancer Syndrome; Hereditary neoplastic syndrome; Neoplastic Syndromes, Hereditary. Identifiers: Orphanet 140162, MedGen C0027672, MeSH D009386, MONDO:0015356.

Submission:

Ambry Genetics
Classification: Uncertain significance for Hereditary cancer-predisposing syndrome. Last evaluated: 2024-05-08. Review status: criteria provided, single submitter. Criteria: Ambry Variant Classification Scheme 2023. Collection method: clinical testing. Allele origin: germline.
Comment: The p.S908F variant (also known as c.2723C>T), located in coding exon 15 of the APC gene, results from a C to T substitution at nucleotide position 2723. The serine at codon 908 is replaced by phenylalanine, an amino acid with highly dissimilar properties. This amino acid position is conserved. In addition, in silico predictors for this gene do not accurately predict pathogenicity. Based on the available evidence, the clinical significance of this variant remains unclear.